The following is an entry in ClinVar:

ClinVar aggregate classification (germline): Uncertain significance (1 of 4 stars; one submission).

Conditions:
Aortic aneurysm, familial thoracic 7 (AAT7). Also called: AORTIC DISSECTION, FAMILIAL, WITH OR WITHOUT AORTIC ANEURYSM. Identifiers: MedGen C3151077, MONDO:0013418, OMIM 613780.

gnomAD v4.1: 3 of 1,614,196 alleles (0.00019%); highest among the groups gnomAD compares: African/African-American, 0.0013%; no homozygotes.

Submission:

Labcorp Genetics (formerly Invitae), Labcorp
Classification: Uncertain significance for Aortic aneurysm, familial thoracic 7. Last evaluated: 2025-12-24. Review status: criteria provided, single submitter. Criteria: Invitae Variant Classification Sherloc (09022015). Collection method: clinical testing. Allele origin: germline.
Comment: This sequence change replaces threonine, which is neutral and polar, with alanine, which is neutral and non-polar, at codon 1423 of the MYLK protein (p.Thr1423Ala). This variant is present in population databases (rs140956155, gnomAD 0.007%). This variant has not been reported in the literature in individuals affected with MYLK-related conditions. Invitae Evidence Modeling of protein sequence and biophysical properties (such as structural, functional, and spatial information, amino acid conservation, physicochemical variation, residue mobility, and thermodynamic stability) indicates that this missense variant is not expected to disrupt MYLK protein function with a negative predictive value of 80%. In summary, the available evidence is currently insufficient to determine the role of this variant in disease. Therefore, it has been classified as a Variant of Uncertain Significance.

NM_053025.4(MYLK):c.4267A>G (p.Thr1423Ala)

Gene: MYLK (myosin light chain kinase; minus strand). Cytogenetic location: 3q21.1.
Variant type: single nucleotide variant.
Coding change: c.4267A>G on transcript NM_053025.4 (MANE Select); coding-DNA position 4267, A replaced by G.
Protein change: p.Thr1423Ala; replaces threonine 1423 with alanine.
Molecular consequence: missense variant.
Genome position (GRCh38, 1-based): chr3:123,657,147, T>C on the plus strand (A>G on the coding strand, the complement: MYLK is on the minus strand). VCF-style: chr3-123657147-T-C. GRCh37 (hg19) VCF-style: chr3-123375994-T-C.
Other names: c.3739A>G, p.Thr1247Ala (NM_001321309.2); c.4060A>G, p.Thr1354Ala (NM_053026.4, NM_053028.4); c.4267A>G, p.Thr1423Ala (NM_053027.4); short protein forms T1354A, T1247A, T1423A.
Identifiers: ClinVar variation 4781543 (VCV004781543.1).